The following is an entry in ClinVar:

NM_001375883.1(GPR161):c.-14G>A

Gene: GPR161 (G protein-coupled receptor 161; minus strand). Cytogenetic location: 1q24.2.
Variant type: single nucleotide variant.
Coding change: c.-14G>A on transcript NM_001375883.1 (MANE Select); 14 bases upstream of the start codon, G replaced by A.
Molecular consequence: 5 prime UTR variant. On other transcripts: missense variant (2), intron variant (4).
Genome position (GRCh38, 1-based): chr1:168,104,864, C>T on the plus strand (G>A on the coding strand, the complement: GPR161 is on the minus strand). VCF-style: chr1-168104864-C-T. GRCh37 (hg19) VCF-style: chr1-168074102-C-T.
Other names: c.47G>A, p.Arg16Gln (NM_001267609.1); c.-14G>A (NM_001267610.2, NM_001349632.1, NM_001349633.1 and 5 more transcripts); c.38G>A, p.Arg13Gln (NM_001267611.1); c.-22-7632G>A (NM_001349635.1, NM_001267612.2); c.33-7632G>A (NM_001267614.1); c.141-7632G>A (NM_001267613.1); short protein forms R16Q, R13Q.
Identifiers: ClinVar variation 2700980 (VCV002700980.3), dbSNP rs367746282, ClinGen allele CA1229810.

ClinVar aggregate classification (germline): Uncertain significance (1 of 4 stars; one submission).

Allele frequency attached by ClinVar (database versions not stated): ExAC 0.00001; 1000 Genomes Project 0.00020; 1000 Genomes Project 30x 0.00031; TOPMed 0.00003; ESP Exome Variant Server 0.00008; gnomAD 0.00005.
gnomAD v4.1: 14 of 1,611,536 alleles (0.00087%); highest among the groups gnomAD compares: African/African-American, 0.0093%; no homozygotes.

Submission:

Labcorp Genetics (formerly Invitae), Labcorp
Classification: Uncertain significance. Last evaluated: 2025-09-24. Review status: criteria provided, single submitter. Criteria: Invitae Variant Classification Sherloc (09022015). Collection method: clinical testing. Allele origin: germline.
Comment: This sequence change replaces arginine, which is basic and polar, with glutamine, which is neutral and polar, at codon 16 of the GPR161 protein (p.Arg16Gln). This variant is present in population databases (rs367746282, gnomAD 0.01%). This variant has not been reported in the literature in individuals affected with GPR161-related conditions. ClinVar contains an entry for this variant (Variation ID: 2700980). An algorithm developed to predict the effect of missense changes on protein structure and function outputs the following: PolyPhen-2: "Benign". The glutamine amino acid residue is found in multiple mammalian species, which suggests that this missense change does not adversely affect protein function. In summary, the available evidence is currently insufficient to determine the role of this variant in disease. Therefore, it has been classified as a Variant of Uncertain Significance.